The following is an entry in ClinVar:

ClinVar aggregate classification (germline): Likely pathogenic (1 of 4 stars; one submission).

Conditions:
LAMA2-related muscular dystrophy (LAMA2-RD). Also called: Laminin alpha 2-related dystrophy. Identifiers: MedGen C5679788, MONDO:0100228.

Submission:

Myriad Genetics, Inc.
Classification: Likely pathogenic for LAMA2-related muscular dystrophy. Last evaluated: 2021-12-31. Review status: criteria provided, single submitter. Criteria: Myriad Autosomal Dominant, Autosomal Recessive and X-Linked Classification Criteria (2023). Collection method: clinical testing. Allele origin: unknown.
Comment: NM_000426.3(LAMA2):c.2776_2782del7(F926Rfs*147) is expected to be pathogenic in the context of muscular dystrophy, LAMA2-related. This variant is predicted to lead to an abnormal or absent protein product due to the creation of a premature termination codon in LAMA2, a gene where loss-of-function variants are known to be pathogenic. Please note: this variant was assessed in the context of healthy population screening.

NM_000426.4(LAMA2):c.2776_2782del (p.Phe926fs)

Gene: LAMA2 (laminin subunit alpha 2; plus strand). Cytogenetic location: 6q22.33.
Variant type: Deletion.
Coding change: c.2776_2782del on transcript NM_000426.4 (MANE Select); coding-DNA positions 2776 to 2782, 7 bases deleted (TTCTCTG; older notation c.2776_2782delTTCTCTG).
Protein change: p.Phe926fs; shifts the reading frame from phenylalanine 926.
Molecular consequence: frameshift variant.
Genome position (GRCh38, 1-based): chr6:129,291,640-129,291,646, TTCTCTG deleted. VCF-style (leftmost placement, unchanged base first): chr6-129291639-TTTCTCTG-T. GRCh37 (hg19) VCF-style: chr6-129612784-TTTCTCTG-T.
Other names: c.2776_2782del, p.Phe926fs (NM_001079823.2); short protein forms F926fs.
Identifiers: ClinVar variation 1726748 (VCV001726748.3), dbSNP rs2482308298, ClinGen allele CA2580074930.
Genomic context (GRCh38, chr6:129,291,639, plus strand): 5'-GTTTTCCTGATCACAGGTCTCTCTTCTCTTTGCAGCCTGTCGCTGTAATGCCGGTGGCTC[TTTCTCTG>T]AGGTTTGCCACAGTCAAACTGGACAGTGTGAGTGCAGAGCCAACGTTCAGGGTCAGAGAT-3'